The following is an entry in ClinVar:

NM_002474.3(MYH11):c.5873C>A (p.Thr1958Lys)

Genes: MYH11 (myosin heavy chain 11; minus strand), NDE1 (nudE neurodevelopment protein 1; plus strand). Cytogenetic location: 16p13.11.
Variant type: single nucleotide variant.
Coding change: c.5873C>A on transcript NM_002474.3 (MANE Select); coding-DNA position 5873, C replaced by A.
Protein change: p.Thr1958Lys; replaces threonine 1958 with lysine.
Molecular consequence: missense variant. On other transcripts: 3 prime UTR variant (2), intron variant (2).
Genome position (GRCh38, 1-based): chr16:15,704,037, G>T on the plus strand (C>A on the coding strand, the complement: MYH11 is on the minus strand). VCF-style: chr16-15704037-G-T. GRCh37 (hg19) VCF-style: chr16-15797894-G-T.
Other names: c.*95C>A (NM_001040113.2, NM_022844.3); c.5894C>A, p.Thr1965Lys (NM_001040114.2); c.947+7177G>T (NM_001143979.2, NM_017668.3); short protein forms T1958K, T1965K.
Identifiers: ClinVar variation 3222397 (VCV003222397.1), dbSNP rs149701021, ClinGen allele CA394843621.
Genomic context (GRCh38, chr16:15,704,037, plus strand): 5'-CTGTAGAAAGTTGCTTATTCACTGGCCTTGGTTCCATTGAAGTCTGCGTCTCGAGTGTCC[G>T]TTTCCTCCTCAGAACCATCTGCATTTTCAATAACTCTACGTCCTCCAGACCTTCTAGAAG-3'
Protein context (NP_002465.1, residues 1948-1968): IENADGSEEE[Thr1958Lys]DTRDADFNGT

ClinVar aggregate classification (germline): Uncertain significance (1 of 4 stars; one submission).

Conditions:
Familial thoracic aortic aneurysm and aortic dissection (TAAD). Also called: Thoracic aortic aneurysms and dissections. Identifiers: Orphanet 91387, MedGen C4707243, MONDO:0019625.

gnomAD v4.1: 1 of 1,613,974 alleles (0.000062%); highest among the groups gnomAD compares: Non-Finnish European, 0.000085%; no homozygotes.

Submission:

Ambry Genetics
Classification: Uncertain significance for Familial thoracic aortic aneurysm and aortic dissection. Last evaluated: 2023-10-10. Review status: criteria provided, single submitter. Criteria: Ambry Variant Classification Scheme 2023. Collection method: clinical testing. Allele origin: germline.
Comment: The p.T1958K variant (also known as c.5873C>A), located in coding exon 40 of the MYH11 gene, results from a C to A substitution at nucleotide position 5873. The threonine at codon 1958 is replaced by lysine, an amino acid with similar properties. This amino acid position is conserved. In addition, this alteration is predicted to be tolerated by in silico analysis. Since supporting evidence is limited at this time, the clinical significance of this alteration remains unclear.